The following is an entry in ClinVar:

NM_000041.4(APOE):c.418G>T (p.Val140Leu)

Gene: APOE (apolipoprotein E; plus strand). Cytogenetic location: 19q13.32.
Variant type: single nucleotide variant.
Coding change: c.418G>T on transcript NM_000041.4 (MANE Select); coding-DNA position 418, G replaced by T.
Protein change: p.Val140Leu; replaces valine 140 with leucine.
Molecular consequence: missense variant.
Genome position (GRCh38, 1-based): chr19:44,908,714, G>T. VCF-style: chr19-44908714-G-T. GRCh37 (hg19) VCF-style: chr19-45411971-G-T.
Other names: c.496G>T, p.Val166Leu (NM_001302688.2); c.418G>T, p.Val140Leu (NM_001302689.2, NM_001302690.2, NM_001302691.2); short protein forms V140L, V166L.
Identifiers: ClinVar variation 4613727 (VCV004613727.1).

ClinVar aggregate classification (germline): Uncertain significance (1 of 4 stars; one submission).

Conditions:
Cardiovascular phenotype. Identifiers: MedGen CN230736.

Submission:

Ambry Genetics
Classification: Uncertain significance for Cardiovascular phenotype. Last evaluated: 2025-10-14. Review status: criteria provided, single submitter. Criteria: Ambry Variant Classification Scheme 2023. Collection method: clinical testing. Allele origin: germline.
Comment: The p.V140L variant (also known as c.418G>T), located in coding exon 3 of the APOE gene, results from a G to T substitution at nucleotide position 418. The valine at codon 140 is replaced by leucine, an amino acid with highly similar properties. This amino acid position is conserved. In addition, this alteration is predicted to be tolerated by in silico analysis. Based on the available evidence, the clinical significance of this variant remains unclear.